The following is an entry in ClinVar:

ClinVar aggregate classification (germline): Uncertain significance. Review status: reviewed by expert panel (3 of 4 stars). 4 submissions from 4 submitters: Uncertain significance (1). 3 of the submissions do not count toward it. Last evaluated 2024-09-24.

Conditions:
Hereditary thrombocytopenia and hematologic cancer predisposition syndrome. Identifiers: Orphanet 71290, MedGen CN281654, MONDO:0011071.
Inborn genetic diseases. Identifiers: MedGen C0950123, MeSH D030342.
Hereditary thrombocytopenia and hematological cancer predisposition syndrome associated with RUNX1. Also called: Familial Platelet Disorder with Propensity to Acute Myelogenous Leukemia; Familial thrombocytopenia with propensity to acute myelogenous leukemia; PLATELET DISORDER, ASPIRIN-LIKE; RUNX1 Familial Platelet Disorder with Associated Myeloid Malignancies. Identifiers: Orphanet 71290, MedGen C1832388, MeSH C563324, MONDO:0100083, OMIM 601399.

Submissions (4):

ClinGen Myeloid Malignancy Variant Curation Expert Panel
Classification: Uncertain significance for Hereditary thrombocytopenia and hematologic cancer predisposition syndrome. Last evaluated: 2024-09-24. Review status: reviewed by expert panel. Criteria: ClinGen MyeloMalig ACMG Specifications v2. Collection method: curation. Allele origin: germline. Inheritance: Autosomal dominant inheritance.
Comment: NM_001754.5(RUNX1):c.238_243del (p.Glu80_Val81del) is an in-frame deletion which does not affect any residues within the Runt Homology Domain (AA 89-204) (PM4 not applied). This variant has not been found in patients meeting the RUNX1 phenotypic criteria. In summary, the clinical significance of this variant is uncertain. ACMG/AMP criteria applied, as specified by the Myeloid Malignancy Variant Curation Expert Panel for RUNX1: None.

Ambry Genetics
Classification: Uncertain significance for Inborn genetic diseases. Last evaluated: 2026-02-27. Review status: criteria provided, single submitter. Criteria: Ambry Variant Classification Scheme 2023. Collection method: clinical testing. Allele origin: germline. Not counted in ClinVar's aggregate classification.
Comment: The c.238_243delGAGGTG variant (also known as p.E80_V81del) is located in coding exon 3 of the RUNX1 gene. This variant results from an in-frame GAGGTG deletion at nucleotide positions 238 to 243. This results in the in-frame deletion of two amino acids (EV) including codons 80 and 81. This amino acid region is well conserved in available vertebrate species. In addition, this variant is predicted to be deleterious by in silico analysis (Choi Y et al. PLoS ONE. 2012; 7(10):e46688). Based on the available evidence, the clinical significance of this variant remains unclear.

Dasa
Classification: Uncertain significance. Last evaluated: 2025-03-31. Review status: criteria provided, single submitter. Criteria: DASA Assertion Criteria. Collection method: clinical testing. Allele origin: germline. Not counted in ClinVar's aggregate classification.
Comment: NM_001754.5(RUNX1):c.238_243del (p.Glu80_Val81del) is an in-frame deletion predicted to remove amino acids from glutamic acid at protein position 80 through valine at protein position 81 without shifting the reading frame. This variant is rare in population databases. The currently available literature and clinical evidence are not sufficient to establish a definitive association between this variant and the reported condition. Therefore, this variant is classified as a variant of uncertain significance.

Labcorp Genetics (formerly Invitae), Labcorp
Classification: Uncertain significance for Hereditary thrombocytopenia and hematological cancer predisposition syndrome associated with RUNX1. Last evaluated: 2018-06-06. Review status: criteria provided, single submitter. Criteria: Invitae Variant Classification Sherloc (09022015). Collection method: clinical testing. Allele origin: germline. Not counted in ClinVar's aggregate classification.
Comment: In summary, the available evidence is currently insufficient to determine the role of this variant in disease. Therefore, it has been classified as a Variant of Uncertain Significance. Experimental studies and prediction algorithms are not available for this variant, and the functional significance of the deleted amino acids is currently unknown. This variant has not been reported in the literature in individuals with RUNX1-related disease. This variant is present in population databases (rs746764369, ExAC 0.002%). This variant, c.238_243delGAGGTG, results in the deletion of 2 amino acids of the RUNX1 protein (p.Glu80_Val81del), but otherwise preserves the integrity of the reading frame.

NM_001754.5(RUNX1):c.238_243del (p.Glu80_Val81del)

Gene: RUNX1 (RUNX family transcription factor 1; minus strand). Cytogenetic location: 21q22.12.
Variant type: Deletion.
Coding change: c.238_243del on transcript NM_001754.5 (MANE Select); coding-DNA positions 238 to 243, 6 bases deleted (GAGGTG; older notation c.238_243delGAGGTG).
Protein change: p.Glu80_Val81del.
Molecular consequence: inframe deletion.
Genome position (GRCh38, 1-based): chr21:34,886,951-34,886,956, CACCTC deleted on the plus strand (GAGGTG on the coding strand, the reverse complement: RUNX1 is on the minus strand); deleting any 6 consecutive bases within chr21:34,886,951-34,886,960 gives the same sequence; the c. name uses the placement nearest the transcript's 3' end. VCF-style (leftmost placement, unchanged base first): chr21-34886950-GCACCTC-G. GRCh37 (hg19) VCF-style: chr21-36259247-GCACCTC-G.
Other names: NM_001754.5(RUNX1):c.238_243del; p.Glu80_Val81del; c.157_162del, p.Glu53_Val54del (NM_001001890.3, NM_001122607.2); c.238_243delGAGGTG (NM_001754.4).
Identifiers: ClinVar variation 1052786 (VCV001052786.14), dbSNP rs746764369, ClinGen allele CA10014564.